The following is an entry in ClinVar:

ClinVar aggregate classification (germline): Uncertain significance (1 of 4 stars; one submission).

Submission:

Labcorp Genetics (formerly Invitae), Labcorp
Classification: Uncertain significance. Last evaluated: 2019-12-19. Review status: criteria provided, single submitter. Criteria: Invitae Variant Classification Sherloc (09022015). Collection method: clinical testing. Allele origin: germline.
Comment: This sequence change replaces arginine with threonine at codon 85 of the MSH3 protein (p.Arg85Thr). The arginine residue is weakly conserved and there is a moderate physicochemical difference between arginine and threonine. In summary, the available evidence is currently insufficient to determine the role of this variant in disease. Therefore, it has been classified as a Variant of Uncertain Significance. Algorithms developed to predict the effect of missense changes on protein structure and function (SIFT, PolyPhen-2, Align-GVGD) all suggest that this variant is likely to be tolerated, but these predictions have not been confirmed by published functional studies and their clinical significance is uncertain. This variant has not been reported in the literature in individuals with MSH3-related conditions. This variant is not present in population databases (ExAC no frequency).

NM_002439.5(MSH3):c.254G>C (p.Arg85Thr)

Gene: MSH3 (mutS homolog 3; plus strand). Cytogenetic location: 5q14.1.
Variant type: single nucleotide variant.
Coding change: c.254G>C on transcript NM_002439.5 (MANE Select); coding-DNA position 254, G replaced by C.
Protein change: p.Arg85Thr; replaces arginine 85 with threonine.
Molecular consequence: missense variant.
Genome position (GRCh38, 1-based): chr5:80,656,427, G>C. VCF-style: chr5-80656427-G-C. GRCh37 (hg19) VCF-style: chr5-79952246-G-C.
Other names: short protein forms R85T.
Identifiers: ClinVar variation 834396 (VCV000834396.10), dbSNP rs1749286662, ClinGen allele CA360266146.